The following is an entry in ClinVar:

NM_001129.5(AEBP1):c.1708A>G (p.Met570Val)

Gene: AEBP1 (AE binding protein 1; plus strand). Cytogenetic location: 7p13.
Variant type: single nucleotide variant.
Coding change: c.1708A>G on transcript NM_001129.5 (MANE Select); coding-DNA position 1708, A replaced by G.
Protein change: p.Met570Val; replaces methionine 570 with valine.
Molecular consequence: missense variant.
Genome position (GRCh38, 1-based): chr7:44,111,231, A>G. VCF-style: chr7-44111231-A-G. GRCh37 (hg19) VCF-style: chr7-44150830-A-G.
Other names: short protein forms M570V.
Identifiers: ClinVar variation 1989341 (VCV001989341.4), dbSNP rs140411744, ClinGen allele CA4237967.
Genomic context (GRCh38, chr7:44,111,231, plus strand): 5'-GCACAGAATGAGGTGGTGGCCACCGATGACCTGGATTTCCGGCACCACAGCTACAAGGAC[A>G]TGCGCCAGGTTGGGAGCATATATCCTGGGGCTGGGGGTGGGACCTGTCTGTGGCTGACGG-3'
Protein context (NP_001120.3, residues 560-580): LDFRHHSYKD[Met570Val]RQLMKVVNEE

ClinVar aggregate classification (germline): Uncertain significance. Review status: criteria provided, multiple submitters, no conflicts (2 of 4 stars). 2 submissions from 2 submitters: Uncertain significance (2). Last evaluated 2026-02-02.

Allele frequency attached by ClinVar (database versions not stated): ExAC 0.00004; TOPMed 0.00008; gnomAD 0.00009; gnomAD exomes 0.00009; ESP Exome Variant Server 0.00015.
gnomAD v4.1: 137 of 1,514,394 alleles (0.009%); highest among the groups gnomAD compares: Non-Finnish European, 0.012%; no homozygotes.

Submissions (2):

Women's Health and Genetics/Laboratory Corporation of America, LabCorp
Classification: Uncertain significance. Last evaluated: 2026-02-02. Review status: criteria provided, single submitter. Criteria: LabCorp Variant Classification Summary - May 2015. Collection method: clinical testing. Allele origin: germline.
Comment: Variant summary: AEBP1 c.1708A>G (p.Met570Val) results in a conservative amino acid change in the encoded protein sequence. Algorithms developed to predict the effect of missense changes on protein structure and function are either unavailable or do not agree on the potential impact of this missense change. The variant allele was found at a frequency of 3.9e-05 in 177736 control chromosomes. The available data on variant occurrences in the general population are insufficient to allow any conclusion about variant significance. To our knowledge, no occurrence of c.1708A>G in individuals affected with AEBP1-related conditions and no experimental evidence demonstrating its impact on protein function have been reported. ClinVar contains an entry for this variant (Variation ID: 1989341). Based on the evidence outlined above, the variant was classified as uncertain significance.

Labcorp Genetics (formerly Invitae), Labcorp
Classification: Uncertain significance. Last evaluated: 2022-07-08. Review status: criteria provided, single submitter. Criteria: Invitae Variant Classification Sherloc (09022015). Collection method: clinical testing. Allele origin: germline.
Comment: This sequence change replaces methionine, which is neutral and non-polar, with valine, which is neutral and non-polar, at codon 570 of the AEBP1 protein (p.Met570Val). This variant is present in population databases (rs140411744, gnomAD 0.009%). This variant has not been reported in the literature in individuals affected with AEBP1-related conditions. Algorithms developed to predict the effect of missense changes on protein structure and function are either unavailable or do not agree on the potential impact of this missense change (SIFT: "Deleterious"; PolyPhen-2: "Possibly Damaging"; Align-GVGD: "Class C0"). Algorithms developed to predict the effect of sequence changes on RNA splicing suggest that this variant may create or strengthen a splice site. In summary, the available evidence is currently insufficient to determine the role of this variant in disease. Therefore, it has been classified as a Variant of Uncertain Significance.